The following is an entry in ClinVar:

NM_001206927.2(DNAH8):c.3404G>A (p.Ser1135Asn)

Gene: DNAH8 (dynein axonemal heavy chain 8; plus strand). Cytogenetic location: 6p21.2.
Variant type: single nucleotide variant.
Coding change: c.3404G>A on transcript NM_001206927.2 (MANE Select); coding-DNA position 3404, G replaced by A.
Protein change: p.Ser1135Asn; replaces serine 1135 with asparagine.
Molecular consequence: missense variant.
Genome position (GRCh38, 1-based): chr6:38,815,538, G>A. VCF-style: chr6-38815538-G-A. GRCh37 (hg19) VCF-style: chr6-38783314-G-A.
Other names: c.2753G>A, p.Ser918Asn (NM_001371.4); short protein forms S918N, S1135N.
Identifiers: ClinVar variation 2158949 (VCV002158949.3), dbSNP rs763714234, ClinGen allele CA3788836.

ClinVar aggregate classification (germline): Uncertain significance (1 of 4 stars; one submission).

Conditions:
Primary ciliary dyskinesia. Also called: Ciliary dyskinesia. Identifiers: Orphanet 244, MedGen C0008780, MONDO:0016575, HP:0012265.

Allele frequency attached by ClinVar (database versions not stated): gnomAD exomes below 0.00001; ExAC 0.00001; gnomAD 0.00004; TOPMed 0.00005.
gnomAD v4.1: 11 of 1,613,900 alleles (0.00068%); highest among the groups gnomAD compares: African/African-American, 0.013%; no homozygotes.

Submission:

Labcorp Genetics (formerly Invitae), Labcorp
Classification: Uncertain significance for Primary ciliary dyskinesia. Last evaluated: 2024-09-14. Review status: criteria provided, single submitter. Criteria: Invitae Variant Classification Sherloc (09022015). Collection method: clinical testing. Allele origin: germline.
Comment: This sequence change replaces serine, which is neutral and polar, with asparagine, which is neutral and polar, at codon 1135 of the DNAH8 protein (p.Ser1135Asn). This variant is present in population databases (rs763714234, gnomAD 0.01%). This variant has not been reported in the literature in individuals affected with DNAH8-related conditions. ClinVar contains an entry for this variant (Variation ID: 2158949). Experimental studies and prediction algorithms are not available or were not evaluated, and the functional significance of this variant is currently unknown. In summary, the available evidence is currently insufficient to determine the role of this variant in disease. Therefore, it has been classified as a Variant of Uncertain Significance.